The following is an entry in ClinVar:

NM_001347721.2(DYRK1A):c.1106G>T (p.Gly369Val)

Gene: DYRK1A (dual specificity tyrosine phosphorylation regulated kinase 1A; plus strand). Cytogenetic location: 21q22.13.
Variant type: single nucleotide variant.
Coding change: c.1106G>T on transcript NM_001347721.2 (MANE Select); coding-DNA position 1106, G replaced by T.
Protein change: p.Gly369Val; replaces glycine 369 with valine.
Molecular consequence: missense variant.
Genome position (GRCh38, 1-based): chr21:37,496,152, G>T. VCF-style: chr21-37496152-G-T. GRCh37 (hg19) VCF-style: chr21-38868454-G-T.
Other names: c.1106G>T, p.Gly369Val (NM_001347722.2, NM_130436.2); c.1019G>T, p.Gly340Val (NM_001347723.2); c.1133G>T, p.Gly378Val (NM_001396.5, NM_101395.2, NM_130438.2); short protein forms G340V, G369V, G378V.
Identifiers: ClinVar variation 1702612 (VCV001702612.2), dbSNP rs1384236840, ClinGen allele CA409936798.
Genomic context (GRCh38, chr21:37,496,152, plus strand): 5'-TTTTGTTGTTTTTATTTTTAATACAGGTAGATCAGATGAATAAAATAGTGGAAGTTCTGG[G>T]TATTCCACCTGCTCATATTCTTGACCAAGCACCAAAAGCAAGAAAGTTCTTTGAGAAGTT-3'
Protein context (NP_001334650.1, residues 359-379): DQMNKIVEVL[Gly369Val]IPPAHILDQA

ClinVar aggregate classification (germline): Uncertain significance (1 of 4 stars; one submission).

Submission:

GeneDx
Classification: Uncertain significance. Last evaluated: 2022-02-21. Review status: criteria provided, single submitter. Criteria: GeneDx Variant Classification Process June 2021. Collection method: clinical testing. Allele origin: germline. Affected: yes.
Comment: Not observed at significant frequency in large population cohorts (gnomAD); In silico analysis supports that this missense variant has a deleterious effect on protein structure/function; Has not been previously published as pathogenic or benign to our knowledge; This variant is associated with the following publications: (PMID: 25641759)